The following is an entry in ClinVar:

ClinVar aggregate classification (germline): Benign (1 of 4 stars; one submission).

Conditions:
Charcot-Marie-Tooth disease type 4B1. Also called: CHARCOT-MARIE-TOOTH DISEASE, AUTOSOMAL RECESSIVE, WITH FOCALLY FOLDED MYELIN SHEATHS, AUTOSOMAL RECESSIVE, TYPE 4B1; CHARCOT-MARIE-TOOTH DISEASE, TYPE 4B; Charcot-Marie-Tooth Neuropathy Type 4B1; CHARCOT-MARIE-TOOTH DISEASE, DEMYELINATING, TYPE 4B1. Identifiers: Orphanet 99955, MedGen C1832399, MONDO:0011066, OMIM 601382.

Allele frequency attached by ClinVar (database versions not stated): TOPMed 0.01414; gnomAD 0.01538 and 0.01712; 1000 Genomes Project 30x 0.01905; 1000 Genomes Project 0.02017.

Submission:

Illumina Laboratory Services, Illumina
Classification: Benign for Charcot-Marie-Tooth disease type 4B1. Last evaluated: 2018-01-12. Review status: criteria provided, single submitter. Criteria: ICSL Variant Classification Criteria 13 December 2019. Collection method: clinical testing. Allele origin: germline.
Comment: This variant was observed in the ICSL laboratory as part of a predisposition screen in an ostensibly healthy population. It had not been previously curated by ICSL or reported in the Human Gene Mutation Database (HGMD: prior to June 1st, 2018), and was therefore a candidate for classification through an automated scoring system. Utilizing variant allele frequency, disease prevalence and penetrance estimates, and inheritance mode, an automated score was calculated to assess if this variant is too frequent to cause the disease. Based on the score and internal cut-off values, a variant classified as benign is not then subjected to further curation. The score for this variant resulted in a classification of benign for this disease.

NM_016156.6(MTMR2):c.*1952G>A

Gene: MTMR2 (myotubularin related protein 2; minus strand). Cytogenetic location: 11q21.
Variant type: single nucleotide variant.
Coding change: c.*1952G>A on transcript NM_016156.6 (MANE Select); 1952 bases downstream of the stop codon, G replaced by A.
Molecular consequence: 3 prime UTR variant.
Genome position (GRCh38, 1-based): chr11:95,833,338, C>T on the plus strand (G>A on the coding strand, the complement: MTMR2 is on the minus strand). VCF-style: chr11-95833338-C-T. GRCh37 (hg19) VCF-style: chr11-95566502-C-T.
Other names: c.*1952G>A (NM_001243571.2, NM_201278.3, NM_201281.3).
Identifiers: ClinVar variation 306505 (VCV000306505.5), dbSNP rs118033833, ClinGen allele CA10640520.